The following is an entry in ClinVar:

NM_005215.4(DCC):c.2071C>G (p.Gln691Glu)

Gene: DCC (DCC netrin 1 receptor; plus strand). Cytogenetic location: 18q21.2.
Variant type: single nucleotide variant.
Coding change: c.2071C>G on transcript NM_005215.4 (MANE Select); coding-DNA position 2071, C replaced by G.
Protein change: p.Gln691Glu; replaces glutamine 691 with glutamic acid.
Molecular consequence: missense variant.
Genome position (GRCh38, 1-based): chr18:53,322,064, C>G. VCF-style: chr18-53322064-C-G. GRCh37 (hg19) VCF-style: chr18-50848434-C-G.
Other names: short protein forms Q691E.
Identifiers: ClinVar variation 3364737 (VCV003364737.1).

ClinVar aggregate classification (germline): Uncertain significance (1 of 4 stars; one submission).

Submission:

GeneDx
Classification: Uncertain significance. Last evaluated: 2023-11-20. Review status: criteria provided, single submitter. Criteria: GeneDx Variant Classification Process June 2021. Collection method: clinical testing. Allele origin: germline. Affected: yes.
Comment: Not observed at significant frequency in large population cohorts (gnomAD); In silico analysis supports that this missense variant does not alter protein structure/function; Has not been previously published as pathogenic or benign to our knowledge